The following is an entry in ClinVar:

NM_001378964.1(CDON):c.2770A>G (p.Lys924Glu)

Gene: CDON (cell adhesion associated, oncogene regulated; minus strand). Cytogenetic location: 11q24.2.
Variant type: single nucleotide variant.
Coding change: c.2770A>G on transcript NM_001378964.1 (MANE Select); coding-DNA position 2770, A replaced by G.
Protein change: p.Lys924Glu; replaces lysine 924 with glutamic acid.
Molecular consequence: missense variant.
Genome position (GRCh38, 1-based): chr11:125,989,640, T>C on the plus strand (A>G on the coding strand, the complement: CDON is on the minus strand). VCF-style: chr11-125989640-T-C. GRCh37 (hg19) VCF-style: chr11-125859535-T-C.
Other names: c.2770A>G, p.Lys924Glu (NM_001243597.3, NM_016952.6); short protein forms K924E.
Identifiers: ClinVar variation 1491551 (VCV001491551.32), dbSNP rs747965171, ClinGen allele CA6351625.

ClinVar aggregate classification (germline): Conflicting classifications of pathogenicity. Review status: criteria provided, conflicting classifications (1 of 4 stars). 4 submissions from 4 submitters: Uncertain significance (1); Likely benign (3). Last evaluated 2025-09-20.

Conditions:
Holoprosencephaly 11 (HPE11). Identifiers: Orphanet 2162, MedGen C3280215, MONDO:0013642, OMIM 614226.
Inborn genetic diseases. Identifiers: MedGen C0950123, MeSH D030342.

Allele frequency attached by ClinVar (database versions not stated): ExAC 0.00004; gnomAD 0.00005 and 0.00006; gnomAD exomes 0.00008; TOPMed 0.00008.
gnomAD v4.1: 115 of 1,612,868 alleles (0.0071%); highest among the groups gnomAD compares: Non-Finnish European, 0.0097%; no homozygotes.

Submissions (4):

Labcorp Genetics (formerly Invitae), Labcorp
Classification: Uncertain significance for Holoprosencephaly 11. Last evaluated: 2025-09-20. Review status: criteria provided, single submitter. Criteria: Invitae Variant Classification Sherloc (09022015). Collection method: clinical testing. Allele origin: germline.
Comment: This sequence change replaces lysine, which is basic and polar, with glutamic acid, which is acidic and polar, at codon 924 of the CDON protein (p.Lys924Glu). This variant is present in population databases (rs747965171, gnomAD 0.02%). This variant has not been reported in the literature in individuals affected with CDON-related conditions. ClinVar contains an entry for this variant (Variation ID: 1491551). Invitae Evidence Modeling of protein sequence and biophysical properties (such as structural, functional, and spatial information, amino acid conservation, physicochemical variation, residue mobility, and thermodynamic stability) indicates that this missense variant is not expected to disrupt CDON protein function with a negative predictive value of 80%. In summary, the available evidence is currently insufficient to determine the role of this variant in disease. Therefore, it has been classified as a Variant of Uncertain Significance.

Ambry Genetics
Classification: Likely benign for Inborn genetic diseases. Last evaluated: 2025-08-21. Review status: criteria provided, single submitter. Criteria: Ambry Variant Classification Scheme 2023. Collection method: clinical testing. Allele origin: germline.

Laboratory of Genetics, Children's Clinical University Hospital Latvia
Classification: Likely benign. Last evaluated: 2025-02-16. Review status: criteria provided, single submitter. Criteria: ACMG Guidelines, 2015. Collection method: clinical testing. Allele origin: germline. Affected: yes.

CeGaT Center for Human Genetics Tuebingen
Classification: Likely benign. Last evaluated: 2023-11-01. Review status: criteria provided, single submitter. Criteria: CeGaT Center For Human Genetics Tuebingen Variant Classification Criteria Version 2. Collection method: clinical testing. Allele origin: germline. Affected: yes. Observed: 2 variant alleles.
Comment: CDON: BP5